The following is an entry in ClinVar:

NM_032119.4(ADGRV1):c.12226_12227delinsGTAGATGAGAGTAGATG (p.Ile4076delinsValAspGluSerArgTer)

Gene: ADGRV1 (adhesion G protein-coupled receptor V1; plus strand). Cytogenetic location: 5q14.3.
Variant type: Indel.
Coding change: c.12226_12227delinsGTAGATGAGAGTAGATG on transcript NM_032119.4 (MANE Select); coding-DNA positions 12226 to 12227, AT replaced by GTAGATGAGAGTAGATG.
Protein change: p.Ile4076delinsValAspGluSerArgTer.
Molecular consequence: nonsense. On other transcripts: non-coding transcript variant (1).
Genome position (GRCh38, 1-based): chr5:90,763,410-90,763,411, AT replaced by GTAGATGAGAGTAGATG. VCF-style: chr5-90763410-AT-GTAGATGAGAGTAGATG. GRCh37 (hg19) VCF-style: chr5-90059227-AT-GTAGATGAGAGTAGATG.
Identifiers: ClinVar variation 3012678 (VCV003012678.3), dbSNP rs2531715532, ClinGen allele CA2695204644.
Genomic context (GRCh38, chr5:90,763,410, plus strand): 5'-GTGACATTGACGGTTGTCCGGTCCCCAGGAGGAAAAGGAACCGTCCGACTTGAGTGGACC[AT>GTAGATGAGAGTAGATG]AGATGAGAAGGCTAAACATAACCTTAGTCCTTTGAATGGGACCCTTCATTTTGATGAGGT-3'

ClinVar aggregate classification (germline): Pathogenic (1 of 4 stars; one submission).

Submission:

Labcorp Genetics (formerly Invitae), Labcorp
Classification: Pathogenic. Last evaluated: 2023-03-17. Review status: criteria provided, single submitter. Criteria: Invitae Variant Classification Sherloc (09022015). Collection method: clinical testing. Allele origin: germline.
Comment: For these reasons, this variant has been classified as Pathogenic. This variant is also known as c.12226_12228delATAins18 (p.I4076delinsVDESRX). This premature translational stop signal has been observed in individual(s) with Usher syndrome (PMID: 23591405). This variant is not present in population databases (gnomAD no frequency). This sequence change creates a premature translational stop signal (p.Ile4076_Ala4080delinsValAspGluSerArg*) in the ADGRV1 gene. It is expected to result in an absent or disrupted protein product. Loss-of-function variants in ADGRV1 are known to be pathogenic (PMID: 19357117, 22135276, 22147658, 26226137, 30718709, 31047384, 32467589).

Literature cited by the submitters: PubMed 23591405; PubMed 19357117; PubMed 22135276; PubMed 22147658; PubMed 26226137; PubMed 30718709; PubMed 31047384; PubMed 32467589.